The following is an entry in ClinVar:

NM_153240.5(NPHP3):c.3032C>T (p.Ala1011Val)

Genes: NPHP3 (nephrocystin 3; minus strand), NPHP3-ACAD11 (NPHP3-ACAD11 readthrough (NMD candidate); minus strand). Cytogenetic location: 3q22.1.
Variant type: single nucleotide variant.
Coding change: c.3032C>T on transcript NM_153240.5 (MANE Select); coding-DNA position 3032, C replaced by T.
Protein change: p.Ala1011Val; replaces alanine 1011 with valine.
Molecular consequence: missense variant. On other transcripts: non-coding transcript variant (1).
Genome position (GRCh38, 1-based): chr3:132,688,743, G>A on the plus strand (C>T on the coding strand, the complement: NPHP3 is on the minus strand). VCF-style: chr3-132688743-G-A. GRCh37 (hg19) VCF-style: chr3-132407587-G-A.
Other names: p.Ala1011Val; short protein forms A1011V.
Identifiers: ClinVar variation 499254 (VCV000499254.19), dbSNP rs202145723, ClinGen allele CA2621861.
Genomic context (GRCh38, chr3:132,688,743, plus strand): 5'-TCAAGTTCACGAGCAGTATATGGATGGTCCGCACCATAAGCATTTTCTGAGATTTCCAAC[G>A]CCTGTTTATACAGTTGTTCTGCATTGCCAAACTTCTTCCACTGCACGTATACACTTGCTA-3'
Protein context (NP_694972.3, residues 1001-1021): FGNAEQLYKQ[Ala1011Val]LEISENAYGA

ClinVar aggregate classification (germline): Uncertain significance. Review status: criteria provided, multiple submitters, no conflicts (2 of 4 stars). 7 submissions from 7 submitters: Uncertain significance (6). 1 of the submissions does not count toward it. Last evaluated 2026-02-17.

Conditions:
NPHP3-related disorder. Also called: NPHP3-related disorders; NPHP3-related condition. Identifiers: MedGen CN379163.
Nephronophthisis. Also called: Juvenile Nephronophthisis. Identifiers: Orphanet 655, MedGen C0687120, MONDO:0019005, HP:0000090.
Inborn genetic diseases. Identifiers: MedGen C0950123, MeSH D030342.
Renal-hepatic-pancreatic dysplasia 1 (RHPD1). Identifiers: MedGen C3715199, MONDO:0008833, OMIM 208540.
NPHP3-related Meckel-like syndrome. Also called: GOLDSTON SYNDROME; Meckel syndrome type 7. Identifiers: Orphanet 3032, MedGen C2673885, MONDO:0009966, OMIM 267010.
Nephronophthisis 3 (NPHP3). Also called: Adolescent nephronophthisis. Identifiers: Orphanet 655, MedGen C1858392, MONDO:0011456, OMIM 604387.

Allele frequency attached by ClinVar (database versions not stated): gnomAD 0.00005 and 0.00006; ESP Exome Variant Server 0.00015; TOPMed 0.00019; ExAC 0.00002; gnomAD exomes 0.00003.
gnomAD v4.1: 50 of 1,613,916 alleles (0.0031%); highest among the groups gnomAD compares: Admixed American, 0.02%; no homozygotes.

Submissions (7):

Ambry Genetics
Classification: Uncertain significance for Inborn genetic diseases. Last evaluated: 2026-02-17. Review status: criteria provided, single submitter. Criteria: Ambry Variant Classification Scheme 2023. Collection method: clinical testing. Allele origin: germline.

GeneDx
Classification: Uncertain significance. Last evaluated: 2026-02-04. Review status: criteria provided, single submitter. Criteria: GeneDx Variant Classification Process June 2021. Collection method: clinical testing. Allele origin: germline.
Comment: In silico analysis supports that this missense variant has a deleterious effect on protein structure/function; Has not been previously published as pathogenic or benign to our knowledge

Labcorp Genetics (formerly Invitae), Labcorp
Classification: Uncertain significance for Nephronophthisis. Last evaluated: 2024-10-07. Review status: criteria provided, single submitter. Criteria: Invitae Variant Classification Sherloc (09022015). Collection method: clinical testing. Allele origin: germline.
Comment: This sequence change replaces alanine, which is neutral and non-polar, with valine, which is neutral and non-polar, at codon 1011 of the NPHP3 protein (p.Ala1011Val). This variant is present in population databases (rs202145723, gnomAD 0.02%). This variant has not been reported in the literature in individuals affected with NPHP3-related conditions. ClinVar contains an entry for this variant (Variation ID: 499254). Invitae Evidence Modeling of protein sequence and biophysical properties (such as structural, functional, and spatial information, amino acid conservation, physicochemical variation, residue mobility, and thermodynamic stability) has been performed for this missense variant. However, the output from this modeling did not meet the statistical confidence thresholds required to predict the impact of this variant on NPHP3 protein function. In summary, the available evidence is currently insufficient to determine the role of this variant in disease. Therefore, it has been classified as a Variant of Uncertain Significance.

Fulgent Genetics
Classification: Uncertain significance for Renal-hepatic-pancreatic dysplasia 1; NPHP3-related Meckel-like syndrome; Nephronophthisis 3. Last evaluated: 2022-04-02. Review status: criteria provided, single submitter. Criteria: ACMG Guidelines, 2015. Collection method: clinical testing. Allele origin: unknown.

Mayo Clinic Laboratories, Mayo Clinic
Classification: Uncertain significance. Last evaluated: 2021-10-20. Review status: criteria provided, single submitter. Criteria: ACMG Guidelines, 2015. Collection method: clinical testing. Allele origin: germline.

Eurofins Ntd Llc (ga)
Classification: Uncertain significance. Last evaluated: 2016-12-15. Review status: criteria provided, single submitter. Criteria: EGL Classification Definitions 2015. Collection method: clinical testing. Allele origin: germline. Observed: 1 variant allele, 1 heterozygote.

PreventionGenetics, part of Exact Sciences
Classification: Uncertain significance for NPHP3-related condition. Last evaluated: 2024-04-08. Review status: no assertion criteria provided. Collection method: clinical testing. Allele origin: germline. Not counted in ClinVar's aggregate classification.
Comment: The NPHP3 c.3032C>T variant is predicted to result in the amino acid substitution p.Ala1011Val. To our knowledge, this variant has not been reported in the literature. This variant is reported in 0.031% of alleles in individuals of African descent in gnomAD. At this time, the clinical significance of this variant is uncertain due to the absence of conclusive functional and genetic evidence.